The following is an entry in ClinVar:

NM_000234.3(LIG1):c.391C>T (p.Arg131Trp)

Gene: LIG1 (DNA ligase 1; minus strand). Cytogenetic location: 19q13.33.
Variant type: single nucleotide variant.
Coding change: c.391C>T on transcript NM_000234.3 (MANE Select); coding-DNA position 391, C replaced by T.
Protein change: p.Arg131Trp; replaces arginine 131 with tryptophan.
Molecular consequence: missense variant. On other transcripts: non-coding transcript variant (6), intron variant (1).
Genome position (GRCh38, 1-based): chr19:48,153,947, G>A on the plus strand (C>T on the coding strand, the complement: LIG1 is on the minus strand). VCF-style: chr19-48153947-G-A. GRCh37 (hg19) VCF-style: chr19-48657204-G-A.
Other names: c.301C>T, p.Arg101Trp (NM_001289063.2, NM_001320971.2); c.391C>T, p.Arg131Trp (NM_001320970.2); c.370+3067C>T (NM_001289064.2); c.391C>T (NM_000234.1); short protein forms R101W, R131W.
Identifiers: ClinVar variation 1433706 (VCV001433706.5), dbSNP rs141907244, ClinGen allele CA9547298.
Genomic context (GRCh38, chr19:48,153,947, plus strand): 5'-TCCTCTTGGCTTCTCTGTCCTCGTCCTCACTCTGCTCTTCCAGGACTTCCTGAATGGTCC[G>A]TTTCGGGAGCTGCTTCCGAGCTGGGGAGGCAAAGGGCTTGGTGTATCTGACCTCGCTGGC-3'
Protein context (NP_000225.1, residues 121-141): RRTARKQLPK[Arg131Trp]TIQEVLEEQS

ClinVar aggregate classification (germline): Uncertain significance. Review status: criteria provided, multiple submitters, no conflicts (2 of 4 stars). 2 submissions from 2 submitters: Uncertain significance (2). Last evaluated 2024-10-24.

Allele frequency attached by ClinVar (database versions not stated): gnomAD exomes below 0.00001 and 0.00001; ExAC 0.00001; gnomAD 0.00002; TOPMed 0.00002; ESP Exome Variant Server 0.00008.
gnomAD v4.1: 15 of 1,613,570 alleles (0.00093%); highest among the groups gnomAD compares: African/African-American, 0.004%; no homozygotes.

Submissions (2):

Ambry Genetics
Classification: Uncertain significance. Last evaluated: 2024-10-24. Review status: criteria provided, single submitter. Criteria: Ambry Variant Classification Scheme 2023. Collection method: clinical testing. Allele origin: germline.

Labcorp Genetics (formerly Invitae), Labcorp
Classification: Uncertain significance. Last evaluated: 2021-10-12. Review status: criteria provided, single submitter. Criteria: Invitae Variant Classification Sherloc (09022015). Collection method: clinical testing. Allele origin: germline.
Comment: This variant has not been reported in the literature in individuals affected with LIG1-related conditions. In summary, the available evidence is currently insufficient to determine the role of this variant in disease. Therefore, it has been classified as a Variant of Uncertain Significance. Algorithms developed to predict the effect of missense changes on protein structure and function are either unavailable or do not agree on the potential impact of this missense change (SIFT: "Deleterious"; PolyPhen-2: "Possibly Damaging"; Align-GVGD: "Class C0"). This variant is present in population databases (rs141907244, ExAC 0.01%). This sequence change replaces arginine with tryptophan at codon 131 of the LIG1 protein (p.Arg131Trp). The arginine residue is moderately conserved and there is a moderate physicochemical difference between arginine and tryptophan.